The following is an entry in ClinVar:

ClinVar aggregate classification (germline): Uncertain significance (1 of 4 stars; one submission).

Conditions:
Cardiomyopathy (CMYO). Also called: Cardiomyopathies. Identifiers: Orphanet 167848, MedGen C0878544, MONDO:0004994, HP:0001638. Inheritance: Various modes of inheritance.

Submission:

Color Diagnostics, LLC DBA Color Health
Classification: Uncertain significance for Cardiomyopathy. Last evaluated: 2025-06-30. Review status: criteria provided, single submitter. Criteria: ACMG Guidelines, 2015. Collection method: clinical testing. Allele origin: germline.
Comment: This missense variant replaces tyrosine with cysteine at codon 2038 of the RYR2 protein. Computational prediction suggests that this variant may not impact protein structure and function. To our knowledge, functional studies have not been reported for this variant. This variant has not been reported in individuals affected with RYR2-related disorders in the literature. This variant has not been identified in the general population by the Genome Aggregation Database (gnomAD). The available evidence is insufficient to determine the role of this variant in disease conclusively. Therefore, this variant is classified as a Variant of Uncertain Significance.

NM_001035.3(RYR2):c.6113A>G (p.Tyr2038Cys)

Gene: RYR2 (ryanodine receptor 2; plus strand). Cytogenetic location: 1q43.
Variant type: single nucleotide variant.
Coding change: c.6113A>G on transcript NM_001035.3 (MANE Select); coding-DNA position 6113, A replaced by G.
Protein change: p.Tyr2038Cys; replaces tyrosine 2038 with cysteine.
Molecular consequence: missense variant.
Genome position (GRCh38, 1-based): chr1:237,625,751, A>G. VCF-style: chr1-237625751-A-G. GRCh37 (hg19) VCF-style: chr1-237789051-A-G.
Other names: short protein forms Y2038C.
Identifiers: ClinVar variation 4757577 (VCV004757577.1).